The following is an entry in ClinVar:

ClinVar aggregate classification (germline): Uncertain significance (1 of 4 stars; one submission).

Conditions:
Hereditary cancer-predisposing syndrome. Also called: Hereditary neoplastic syndrome; Neoplastic Syndromes, Hereditary; Tumor predisposition; Hereditary Cancer Syndrome. Identifiers: Orphanet 140162, MedGen C0027672, MeSH D009386, MONDO:0015356.

Submission:

Ambry Genetics
Classification: Uncertain significance for Hereditary cancer-predisposing syndrome. Last evaluated: 2025-03-05. Review status: criteria provided, single submitter. Criteria: Ambry Variant Classification Scheme 2023. Collection method: clinical testing. Allele origin: germline.
Comment: The p.K668Q variant (also known as c.2002A>C), located in coding exon 13 of the CDH1 gene, results from an A to C substitution at nucleotide position 2002. The lysine at codon 668 is replaced by glutamine, an amino acid with similar properties. This amino acid position is conserved. In addition, this alteration is predicted to be tolerated by in silico analysis. Based on the available evidence, the clinical significance of this variant remains unclear.

NM_004360.5(CDH1):c.2002A>C (p.Lys668Gln)

Gene: CDH1 (cadherin 1; plus strand). Cytogenetic location: 16q22.1.
Variant type: single nucleotide variant.
Coding change: c.2002A>C on transcript NM_004360.5 (MANE Select); coding-DNA position 2002, A replaced by C.
Protein change: p.Lys668Gln; replaces lysine 668 with glutamine.
Molecular consequence: missense variant.
Genome position (GRCh38, 1-based): chr16:68,823,464, A>C. VCF-style: chr16-68823464-A-C. GRCh37 (hg19) VCF-style: chr16-68857367-A-C.
Other names: c.1819A>C, p.Lys607Gln (NM_001317184.2); c.454A>C, p.Lys152Gln (NM_001317185.2); c.37A>C, p.Lys13Gln (NM_001317186.2); short protein forms K607Q, K13Q, K668Q, K152Q.
Identifiers: ClinVar variation 3830005 (VCV003830005.1).